The following is an entry in ClinVar:

ClinVar aggregate classification (germline): Uncertain significance. Review status: criteria provided, multiple submitters, no conflicts (2 of 4 stars). 2 submissions from 2 submitters: Uncertain significance (2). Last evaluated 2025-03-01.

Conditions:
Hereditary cancer-predisposing syndrome. Also called: Hereditary neoplastic syndrome; Neoplastic Syndromes, Hereditary; Tumor predisposition; Hereditary Cancer Syndrome. Identifiers: Orphanet 140162, MedGen C0027672, MeSH D009386, MONDO:0015356.

Submissions (2):

Ambry Genetics
Classification: Uncertain significance for Hereditary cancer-predisposing syndrome. Last evaluated: 2025-03-01. Review status: criteria provided, single submitter. Criteria: Ambry Variant Classification Scheme 2023. Collection method: clinical testing. Allele origin: germline.
Comment: The p.T541I variant (also known as c.1622C>T), located in coding exon 11 of the CTNNA1 gene, results from a C to T substitution at nucleotide position 1622. The threonine at codon 541 is replaced by isoleucine, an amino acid with similar properties. This amino acid position is conserved. In addition, the in silico prediction for this alteration is inconclusive. Based on the available evidence, the clinical significance of this variant remains unclear.

Labcorp Genetics (formerly Invitae), Labcorp
Classification: Uncertain significance. Last evaluated: 2019-09-23. Review status: criteria provided, single submitter. Criteria: Invitae Variant Classification Sherloc (09022015). Collection method: clinical testing. Allele origin: germline.
Comment: This variant has not been reported in the literature in individuals with CTNNA1-related conditions. In summary, the available evidence is currently insufficient to determine the role of this variant in disease. Therefore, it has been classified as a Variant of Uncertain Significance. Algorithms developed to predict the effect of missense changes on protein structure and function are either unavailable or do not agree on the potential impact of this missense change (SIFT: "Deleterious"; PolyPhen-2: "Possibly Damaging"; Align-GVGD: "Class C0"). This variant is not present in population databases (ExAC no frequency). This sequence change replaces threonine with isoleucine at codon 541 of the CTNNA1 protein (p.Thr541Ile). The threonine residue is highly conserved and there is a moderate physicochemical difference between threonine and isoleucine.

NM_001903.5(CTNNA1):c.1622C>T (p.Thr541Ile)

Gene: CTNNA1 (catenin alpha 1; plus strand). Cytogenetic location: 5q31.2.
Variant type: single nucleotide variant.
Coding change: c.1622C>T on transcript NM_001903.5 (MANE Select); coding-DNA position 1622, C replaced by T.
Protein change: p.Thr541Ile; replaces threonine 541 with isoleucine.
Molecular consequence: missense variant.
Genome position (GRCh38, 1-based): chr5:138,924,585, C>T. VCF-style: chr5-138924585-C-T. GRCh37 (hg19) VCF-style: chr5-138260274-C-T.
Other names: c.1622C>T, p.Thr541Ile (NM_001290307.3, NM_001323982.2, NM_001323983.1 and 2 more transcripts); c.1313C>T, p.Thr438Ile (NM_001290309.3); c.1253C>T, p.Thr418Ile (NM_001290310.3); c.512C>T, p.Thr171Ile (NM_001290312.1, NM_001323987.1, NM_001323988.1 and 17 more transcripts); c.1529C>T, p.Thr510Ile (NM_001323986.2); c.173C>T, p.Thr58Ile (NM_001324006.1, NM_001324007.1, NM_001324008.1 and 2 more transcripts); c.419C>T, p.Thr140Ile (NM_001324011.1); c.269C>T, p.Thr90Ile (NM_001324012.1, NM_001324013.1); and 1 more; short protein forms T510I, T541I, T171I, T90I, T438I, T58I, T140I, T418I.
Identifiers: ClinVar variation 942281 (VCV000942281.10), dbSNP rs1763606613, ClinGen allele CA361131845.